The following is an entry in ClinVar:

NM_003072.5(SMARCA4):c.343C>G (p.Gln115Glu)

Gene: SMARCA4 (SWI/SNF related BAF chromatin remodeling complex subunit ATPase 4; plus strand). Cytogenetic location: 19p13.2.
Variant type: single nucleotide variant.
Coding change: c.343C>G on transcript NM_003072.5 (MANE Select); coding-DNA position 343, C replaced by G.
Protein change: p.Gln115Glu; replaces glutamine 115 with glutamic acid.
Molecular consequence: missense variant. On other transcripts: non-coding transcript variant (1).
Genome position (GRCh38, 1-based): chr19:10,985,393, C>G. VCF-style: chr19-10985393-C-G. GRCh37 (hg19) VCF-style: chr19-11096069-C-G.
Other names: c.343C>G, p.Gln115Glu (NM_001128844.3, NM_001128845.2, NM_001128846.2 and 6 more transcripts); short protein forms Q115E.
Identifiers: ClinVar variation 3233106 (VCV003233106.1), dbSNP rs2145752709, ClinGen allele CA404055368.
Genomic context (GRCh38, chr19:10,985,393, plus strand): 5'-GGAATGGGGATGCGGTCAGGGGGCCATGCTGGGATGGGGCCCCCGCCCAGCCCCATGGAC[C>G]AGCACTCCCAAGGTACAGAACTGCGTTCCTTCCTGCCTTGTGTTTGTCATACTCCAGAGT-3'
Protein context (NP_003063.2, residues 105-125): GMGPPPSPMD[Gln115Glu]HSQGYPSPLG

ClinVar aggregate classification (germline): Uncertain significance (1 of 4 stars; one submission).

Conditions:
Hereditary cancer-predisposing syndrome. Also called: Neoplastic Syndromes, Hereditary; Tumor predisposition; Hereditary neoplastic syndrome; Hereditary Cancer Syndrome. Identifiers: Orphanet 140162, MedGen C0027672, MeSH D009386, MONDO:0015356.

Submission:

Ambry Genetics
Classification: Uncertain significance for Hereditary cancer-predisposing syndrome. Last evaluated: 2023-12-08. Review status: criteria provided, single submitter. Criteria: Ambry Variant Classification Scheme 2023. Collection method: clinical testing. Allele origin: germline.
Comment: The p.Q115E variant (also known as c.343C>G), located in coding exon 2 of the SMARCA4 gene, results from a C to G substitution at nucleotide position 343. The glutamine at codon 115 is replaced by glutamic acid, an amino acid with highly similar properties. This amino acid position is highly conserved in available vertebrate species. In addition, the in silico prediction for this alteration is inconclusive. Missense and in-frame variants in SMARCA4 are known to cause neurodevelopmental disorders; however, such associations with rhabdoid tumor predisposition syndrome including small cell carcinoma of the ovary-hypercalcemic type (SCCOHT) are exceedingly rare (Kosho T et al. Am J Med Genet C Semin Med Genet. 2014 Sep;166C(3):262-75; Jelinic P et al. Nat Genet. 2014 May;46(5):424-6). Since supporting evidence is limited at this time, the clinical significance of this alteration remains unclear.